The following is an entry in ClinVar:

ClinVar aggregate classification (germline): Uncertain significance. Review status: criteria provided, multiple submitters, no conflicts (2 of 4 stars). 3 submissions from 3 submitters: Uncertain significance (3). Last evaluated 2026-01-26.

Conditions:
Neurofibromatosis, type 1 (NF1). Also called: Neurofibromatosis, type I; Peripheral type neurofibromatosis; VON RECKLINGHAUSEN DISEASE; NEUROFIBROMATOSIS, TYPE I, SOMATIC. Identifiers: Orphanet 636, MedGen C0027831, MONDO:0018975, OMIM 162200. Disease mechanism: loss of function.
Hereditary cancer-predisposing syndrome. Also called: Neoplastic Syndromes, Hereditary; Hereditary Cancer Syndrome; Tumor predisposition; Hereditary neoplastic syndrome. Identifiers: Orphanet 140162, MedGen C0027672, MeSH D009386, MONDO:0015356.
Cardiovascular phenotype. Identifiers: MedGen CN230736.

Allele frequency attached by ClinVar (database versions not stated): TOPMed below 0.00001; gnomAD 0.00001.
gnomAD v4.1: 2 of 1,613,372 alleles (0.00012%); highest among the groups gnomAD compares: East Asian, 0.0022%; no homozygotes.

Submissions (3):

Labcorp Genetics (formerly Invitae), Labcorp
Classification: Uncertain significance for Neurofibromatosis, type 1. Last evaluated: 2026-01-26. Review status: criteria provided, single submitter. Criteria: Invitae Variant Classification Sherloc (09022015). Collection method: clinical testing. Allele origin: germline.
Comment: This sequence change replaces glutamine, which is neutral and polar, with histidine, which is basic and polar, at codon 1010 of the NF1 protein (p.Gln1010His). This variant is not present in population databases (gnomAD no frequency). This variant has not been reported in the literature in individuals affected with NF1-related conditions. ClinVar contains an entry for this variant (Variation ID: 1512957). Invitae Evidence Modeling of protein sequence and biophysical properties (such as structural, functional, and spatial information, amino acid conservation, physicochemical variation, residue mobility, and thermodynamic stability) indicates that this missense variant is not expected to disrupt NF1 protein function with a negative predictive value of 95%. In summary, the available evidence is currently insufficient to determine the role of this variant in disease. Therefore, it has been classified as a Variant of Uncertain Significance.

Quest Diagnostics Nichols Institute San Juan Capistrano
Classification: Uncertain significance. Last evaluated: 2023-12-06. Review status: criteria provided, single submitter. Criteria: Quest Diagnostics criteria. Collection method: clinical testing. Allele origin: unknown.

Ambry Genetics
Classification: Uncertain significance for Cardiovascular phenotype; Hereditary cancer-predisposing syndrome. Last evaluated: 2023-09-06. Review status: criteria provided, single submitter. Criteria: Ambry Variant Classification Scheme 2023. Collection method: clinical testing. Allele origin: germline.
Comment: The p.Q1010H variant (also known as c.3030A>C), located in coding exon 23 of the NF1 gene, results from an A to C substitution at nucleotide position 3030. The glutamine at codon 1010 is replaced by histidine, an amino acid with highly similar properties. This amino acid position is conserved. In addition, this alteration is predicted to be tolerated by in silico analysis. Since supporting evidence is limited at this time, the clinical significance of this alteration remains unclear.

NM_001042492.3(NF1):c.3030A>C (p.Gln1010His)

Gene: NF1 (neurofibromin 1; plus strand). Cytogenetic location: 17q11.2.
Variant type: single nucleotide variant.
Coding change: c.3030A>C on transcript NM_001042492.3 (MANE Select); coding-DNA position 3030, A replaced by C.
Protein change: p.Gln1010His; replaces glutamine 1010 with histidine.
Molecular consequence: missense variant.
Genome position (GRCh38, 1-based): chr17:31,230,299, A>C. VCF-style: chr17-31230299-A-C. GRCh37 (hg19) VCF-style: chr17-29557317-A-C.
Other names: c.3030A>C, p.Gln1010His (NM_000267.4); short protein forms Q1010H.
Identifiers: ClinVar variation 1512957 (VCV001512957.10), dbSNP rs1405071456, ClinGen allele CA398986639.